The following is an entry in ClinVar:

ClinVar aggregate classification (germline): Conflicting classifications of pathogenicity. Review status: criteria provided, conflicting classifications (1 of 4 stars). 6 submissions from 6 submitters: Uncertain significance (1); Likely benign (5). Last evaluated 2026-01-07.

Conditions:
Autosomal recessive limb-girdle muscular dystrophy type 2P. Also called: MUSCULAR DYSTROPHY-DYSTROGLYCANOPATHY, LIMB-GIRDLE, DAG1-RELATED; Limb-Girdle Muscular Dystrophy Type 9C; MUSCULAR DYSTROPHY, LIMB-GIRDLE, TYPE 2P. Identifiers: Orphanet 280333, MedGen C4511963, MONDO:0013440, OMIM 613818.
Muscular dystrophy-dystroglycanopathy (congenital with brain and eye anomalies), type A9. Also called: WALKER-WARBURG SYNDROME OR MUSCLE-EYE BRAIN DISEASE, DAG1-RELATED; Muscular dystrophy-dystroglycanopathy (congenital with brain and eye anomalies), type a, 9. Identifiers: Orphanet 370997, Orphanet 899, MedGen C4225291, MONDO:0014683, OMIM 616538.

Allele frequency attached by ClinVar (database versions not stated): ESP Exome Variant Server 0.00038; 1000 Genomes Project 0.00040; TOPMed 0.00014; gnomAD 0.00017 and 0.00021; gnomAD exomes 0.00020 and 0.00029; ExAC 0.00030; 1000 Genomes Project 30x 0.00031.
gnomAD v4.1: 333 of 1,612,524 alleles (0.021%); highest among the groups gnomAD compares: Middle Eastern, 0.21%; 2 homozygotes.

Submissions (6):

Labcorp Genetics (formerly Invitae), Labcorp
Classification: Likely benign for Autosomal recessive limb-girdle muscular dystrophy type 2P; Muscular dystrophy-dystroglycanopathy (congenital with brain and eye anomalies), type A9. Last evaluated: 2026-01-07. Review status: criteria provided, single submitter. Criteria: Invitae Variant Classification Sherloc (09022015). Collection method: clinical testing. Allele origin: germline.

Athena Diagnostics
Classification: Likely benign. Last evaluated: 2023-10-11. Review status: criteria provided, single submitter. Criteria: Athena Diagnostics Criteria. Collection method: clinical testing. Allele origin: unknown.

CeGaT Center for Human Genetics Tuebingen
Classification: Likely benign. Last evaluated: 2023-05-01. Review status: criteria provided, single submitter. Criteria: CeGaT Center For Human Genetics Tuebingen Variant Classification Criteria Version 2. Collection method: clinical testing. Allele origin: germline. Affected: yes. Observed: 3 variant alleles.
Comment: DAG1: BP4, BP7

Eurofins Ntd Llc (ga)
Classification: Uncertain significance. Last evaluated: 2018-04-04. Review status: criteria provided, single submitter. Criteria: EGL ClinVar v180209 classification definitions. Collection method: clinical testing. Allele origin: germline. Observed: 5 variant alleles, 5 heterozygotes.

GeneDx
Classification: Likely benign. Last evaluated: 2018-02-28. Review status: criteria provided, single submitter. Criteria: GeneDx Variant Classification (06012015). Collection method: clinical testing. Allele origin: germline. Affected: yes.
Comment: This variant is considered likely benign or benign based on one or more of the following criteria: it is a conservative change, it occurs at a poorly conserved position in the protein, it is predicted to be benign by multiple in silico algorithms, and/or has population frequency not consistent with disease.

PreventionGenetics, part of Exact Sciences
Classification: Likely benign. Review status: criteria provided, single submitter. Criteria: ACMG Guidelines, 2015. Collection method: clinical testing. Allele origin: germline.

Literature cited by the submitters: PubMed 16112887 (cited by Athena Diagnostics).

NM_004393.6(DAG1):c.1308G>A (p.Thr436=)

Gene: DAG1 (dystroglycan 1; plus strand). Cytogenetic location: 3p21.31.
Variant type: single nucleotide variant.
Coding change: c.1308G>A on transcript NM_004393.6 (MANE Select); coding-DNA position 1308, G replaced by A.
Protein change: p.Thr436=; no amino-acid change (threonine 436 retained).
Molecular consequence: synonymous variant.
Genome position (GRCh38, 1-based): chr3:49,531,819, G>A. VCF-style: chr3-49531819-G-A. GRCh37 (hg19) VCF-style: chr3-49569252-G-A.
Other names: c.1308G>A (NM_004393.4); c.1308G>A, p.Thr436= (NM_001165928.4, NM_001177634.3, NM_001177635.3 and 9 more transcripts).
Identifiers: ClinVar variation 257585 (VCV000257585.40), dbSNP rs143763229, ClinGen allele CA2399052.
Genomic context (GRCh38, chr3:49,531,819, plus strand): 5'-TGCTACCCCTCCCACAACCACCACCAAGAAGCCACGAGTATCCACACCAAAACCAGCAAC[G>A]CCTTCAACTGACTCCACCACCACCACGACTCGCAGGCCAACCAAGAAACCACGGACACCC-3'
Protein context (NP_004384.5, residues 426-446): KPRVSTPKPA[Thr436=]PSTDSTTTTT